The following is an entry in ClinVar:

ClinVar aggregate classification (germline): Uncertain significance (1 of 4 stars; one submission).

Conditions:
Isolated microphthalmia 5. Also called: Posterior Microphthalmia with Retinitis Pigmentosa, Foveoschisis, and Optic Disc Drusen. Identifiers: Orphanet 251279, MedGen C1970236, MONDO:0012605, OMIM 611040.

Submission:

Labcorp Genetics (formerly Invitae), Labcorp
Classification: Uncertain significance for Isolated microphthalmia 5. Last evaluated: 2020-08-25. Review status: criteria provided, single submitter. Criteria: Invitae Variant Classification Sherloc (09022015). Collection method: clinical testing. Allele origin: germline.
Comment: In summary, the available evidence is currently insufficient to determine the role of this variant in disease. Therefore, it has been classified as a Variant of Uncertain Significance. Algorithms developed to predict the effect of missense changes on protein structure and function (SIFT, PolyPhen-2, Align-GVGD) all suggest that this variant is likely to be tolerated, but these predictions have not been confirmed by published functional studies and their clinical significance is uncertain. This variant has not been reported in the literature in individuals with MFRP-related conditions. This variant is not present in population databases (ExAC no frequency). This sequence change replaces glycine with valine at codon 435 of the MFRP protein (p.Gly435Val). The glycine residue is weakly conserved and there is a moderate physicochemical difference between glycine and valine.

NM_031433.4(MFRP):c.1304G>T (p.Gly435Val)

Genes: C1QTNF5 (C1q and TNF related 5; minus strand), MFRP (membrane frizzled-related protein; minus strand). Cytogenetic location: 11q23.3.
Variant type: single nucleotide variant.
Coding change: c.1304G>T on transcript NM_031433.4 (MANE Select); coding-DNA position 1304, G replaced by T.
Protein change: p.Gly435Val; replaces glycine 435 with valine.
Molecular consequence: missense variant. On other transcripts: 5 prime UTR variant (1).
Genome position (GRCh38, 1-based): chr11:119,342,679, C>A on the plus strand (G>T on the coding strand, the complement: MFRP is on the minus strand). VCF-style: chr11-119342679-C-A. GRCh37 (hg19) VCF-style: chr11-119213389-C-A.
Other names: c.-1333G>T (NM_015645.5); short protein forms G435V.
Identifiers: ClinVar variation 1057747 (VCV001057747.9), dbSNP rs2135369074, ClinGen allele CA382973639.
Genomic context (GRCh38, chr11:119,342,679, plus strand): 5'-CTGCAGTTGTCATCGCTGCCATCGGTGCAGTCTCTCCACATGTCACACATCCACTGCACA[C>A]CCTTACACCCTCCTGCCTGGCAGGAGAGCTCACTGGGCCCACAGGGGTCTGCAGGCACAA-3'
Protein context (NP_113621.1, residues 425-445): ELSCQAGGCK[Gly435Val]VQWMCDMWRD